The following is an entry in ClinVar:

NM_003640.5(ELP1):c.2675A>G (p.Asp892Gly)

Gene: ELP1 (elongator acetyltransferase complex subunit 1; minus strand). Cytogenetic location: 9q31.3.
Variant type: single nucleotide variant.
Coding change: c.2675A>G on transcript NM_003640.5 (MANE Select); coding-DNA position 2675, A replaced by G.
Protein change: p.Asp892Gly; replaces aspartic acid 892 with glycine.
Molecular consequence: missense variant.
Genome position (GRCh38, 1-based): chr9:108,896,557, T>C on the plus strand (A>G on the coding strand, the complement: ELP1 is on the minus strand). VCF-style: chr9-108896557-T-C. GRCh37 (hg19) VCF-style: chr9-111658837-T-C.
Other names: c.2333A>G, p.Asp778Gly (NM_001318360.2); c.1628A>G, p.Asp543Gly (NM_001330749.2); short protein forms D892G, D543G, D778G.
Identifiers: ClinVar variation 952028 (VCV000952028.14), dbSNP rs1423041055, ClinGen allele CA374419911.

ClinVar aggregate classification (germline): Uncertain significance. Review status: criteria provided, multiple submitters, no conflicts (2 of 4 stars). 3 submissions from 3 submitters: Uncertain significance (2). 1 of the submissions does not count toward it. Last evaluated 2021-08-28.

Conditions:
Familial dysautonomia. Also called: FD; HSAN III. Identifiers: Orphanet 1764, MedGen C0013364, MONDO:0009131, OMIM 223900. Disease mechanism: loss of function.

Allele frequency attached by ClinVar (database versions not stated): gnomAD 0.00001; TOPMed 0.00002.
gnomAD v4.1: 6 of 1,613,760 alleles (0.00037%); highest among the groups gnomAD compares: African/African-American, 0.0013%; no homozygotes.

Submissions (3):

Labcorp Genetics (formerly Invitae), Labcorp
Classification: Uncertain significance. Last evaluated: 2021-08-28. Review status: criteria provided, single submitter. Criteria: Invitae Variant Classification Sherloc (09022015). Collection method: clinical testing. Allele origin: germline.
Comment: This sequence change replaces aspartic acid with glycine at codon 892 of the ELP1 protein (p.Asp892Gly). The aspartic acid residue is weakly conserved and there is a moderate physicochemical difference between aspartic acid and glycine. This variant is not present in population databases (ExAC no frequency). This variant has not been reported in the literature in individuals affected with ELP1-related conditions. Algorithms developed to predict the effect of missense changes on protein structure and function are either unavailable or do not agree on the potential impact of this missense change (SIFT: "Tolerated"; PolyPhen-2: "Possibly Damaging"; Align-GVGD: "Class C0"). In summary, the available evidence is currently insufficient to determine the role of this variant in disease. Therefore, it has been classified as a Variant of Uncertain Significance.

Genome-Nilou Lab
Classification: Uncertain significance for Familial dysautonomia. Last evaluated: 2021-07-14. Review status: criteria provided, single submitter. Criteria: ACMG Guidelines, 2015. Collection method: clinical testing. Allele origin: germline. Affected: no.

Natera, Inc.
Classification: Uncertain significance for Familial dysautonomia. Last evaluated: 2020-10-23. Review status: no assertion criteria provided. Collection method: clinical testing. Allele origin: germline. Not counted in ClinVar's aggregate classification.